The following is an entry in ClinVar:

ClinVar aggregate classification (germline): Uncertain significance. Review status: criteria provided, multiple submitters, no conflicts (2 of 4 stars). 2 submissions from 2 submitters: Uncertain significance (2). Last evaluated 2025-09-27.

Conditions:
DICER1-related tumor predisposition. Also called: DICER1-related pleuropulmonary blastoma cancer predisposition syndrome; DICER1 syndrome. Identifiers: Orphanet 284343, MedGen C3839822, MONDO:0100216.
Hereditary cancer-predisposing syndrome. Also called: Neoplastic Syndromes, Hereditary; Hereditary Cancer Syndrome; Hereditary neoplastic syndrome; Tumor predisposition. Identifiers: Orphanet 140162, MedGen C0027672, MeSH D009386, MONDO:0015356.

Submissions (2):

Ambry Genetics
Classification: Uncertain significance for Hereditary cancer-predisposing syndrome. Last evaluated: 2025-09-27. Review status: criteria provided, single submitter. Criteria: Ambry Variant Classification Scheme 2023. Collection method: clinical testing. Allele origin: germline.
Comment: The p.D619V variant (also known as c.1856A>T), located in coding exon 10 of the DICER1 gene, results from an A to T substitution at nucleotide position 1856. The aspartic acid at codon 619 is replaced by valine, an amino acid with highly dissimilar properties. This amino acid position is conserved. In addition, this alteration is predicted to be tolerated by in silico analysis. Based on the available evidence, the clinical significance of this variant remains unclear.

Labcorp Genetics (formerly Invitae), Labcorp
Classification: Uncertain significance for DICER1-related tumor predisposition. Last evaluated: 2022-12-30. Review status: criteria provided, single submitter. Criteria: Invitae Variant Classification Sherloc (09022015). Collection method: clinical testing. Allele origin: germline.
Comment: This variant is not present in population databases (gnomAD no frequency). In summary, the available evidence is currently insufficient to determine the role of this variant in disease. Therefore, it has been classified as a Variant of Uncertain Significance. Advanced modeling of protein sequence and biophysical properties (such as structural, functional, and spatial information, amino acid conservation, physicochemical variation, residue mobility, and thermodynamic stability) performed at Invitae indicates that this missense variant is not expected to disrupt DICER1 protein function. This variant has not been reported in the literature in individuals affected with DICER1-related conditions. This sequence change replaces aspartic acid, which is acidic and polar, with valine, which is neutral and non-polar, at codon 619 of the DICER1 protein (p.Asp619Val).

NM_177438.3(DICER1):c.1856A>T (p.Asp619Val)

Gene: DICER1 (dicer 1, ribonuclease III; minus strand). Cytogenetic location: 14q32.13.
Variant type: single nucleotide variant.
Coding change: c.1856A>T on transcript NM_177438.3 (MANE Select); coding-DNA position 1856, A replaced by T.
Protein change: p.Asp619Val; replaces aspartic acid 619 with valine.
Molecular consequence: missense variant. On other transcripts: non-coding transcript variant (6).
Genome position (GRCh38, 1-based): chr14:95,115,718, T>A on the plus strand (A>T on the coding strand, the complement: DICER1 is on the minus strand). VCF-style: chr14-95115718-T-A. GRCh37 (hg19) VCF-style: chr14-95582055-T-A.
Other names: c.1856A>T, p.Asp619Val (NM_001195573.1, NM_001271282.3, NM_001291628.2 and 13 more transcripts); c.1574A>T, p.Asp525Val (NM_001395686.1); c.1451A>T, p.Asp484Val (NM_001395687.1, NM_001395688.1, NM_001395689.1 and 3 more transcripts); c.1289A>T, p.Asp430Val (NM_001395691.1); c.173A>T, p.Asp58Val (NM_001395697.1); short protein forms D525V, D58V, D430V, D484V, D619V.
Identifiers: ClinVar variation 2824910 (VCV002824910.4), dbSNP rs1426451842, ClinGen allele CA390883981.
Genomic context (GRCh38, chr14:95,115,718, plus strand): 5'-ATGCCATACCTATTGATGTGTCCAATGGCCGTGTTGATTGTGACTCGTGGACCACCATCG[T>A]CAGGCCTCAACACATATGGTGGGAAAACGTCATCATCATCCATGACAGGATCAATGTCAG-3'
Protein context (NP_803187.1, residues 609-629): DVFPPYVLRP[Asp619Val]DGGPRVTINT